The following is an entry in ClinVar:

ClinVar aggregate classification (germline): Pathogenic (1 of 4 stars; one submission).

Conditions:
Fanconi anemia (FA). Also called: Fanconi's anemia. Identifiers: Orphanet 84, MedGen C0015625, MeSH D005199, MONDO:0019391.

Submission:

Labcorp Genetics (formerly Invitae), Labcorp
Classification: Pathogenic for Fanconi anemia. Last evaluated: 2021-08-12. Review status: criteria provided, single submitter. Criteria: Invitae Variant Classification Sherloc (09022015). Collection method: clinical testing. Allele origin: germline.
Comment: This variant is a gross deletion of the genomic region encompassing exon(s) 28-29 of the FANCA gene. This deletion is out-of-frame, and is expected to create a premature termination codon and result in an absent or disrupted protein product. Loss-of-function variants in FANCA are known to be pathogenic (PMID: 19367192). A similar copy number variant has been observed in individual(s) with Fanconi anemia (PMID: 21273304). For these reasons, this variant has been classified as Pathogenic.

Literature cited by the submitters: PubMed 19367192; PubMed 21273304.

NC_000016.10:g.(?_89761939)_(89765076_?)del

Gene: FANCA (FA complementation group A; minus strand). Cytogenetic location: 16q24.3.
Variant type: Deletion.
Identifiers: ClinVar variation 831136 (VCV000831136.6).